The following is an entry in ClinVar:

ClinVar aggregate classification (germline): Uncertain significance. Review status: criteria provided, multiple submitters, no conflicts (2 of 4 stars). 2 submissions from 2 submitters: Uncertain significance (2). Last evaluated 2024-05-31.

gnomAD v4.1: 30 of 1,614,052 alleles (0.0019%); highest among the groups gnomAD compares: African/African-American, 0.039%; no homozygotes.

Submissions (2):

Blueprint Genetics
Classification: Uncertain significance. Last evaluated: 2024-05-31. Review status: criteria provided, single submitter. Criteria: ACMG Guidelines, 2015. Collection method: clinical testing. Allele origin: germline.

Labcorp Genetics (formerly Invitae), Labcorp
Classification: Uncertain significance. Last evaluated: 2024-03-16. Review status: criteria provided, single submitter. Criteria: Invitae Variant Classification Sherloc (09022015). Collection method: clinical testing. Allele origin: germline.
Comment: This sequence change falls in intron 1 of the UCHL1 gene. It does not directly change the encoded amino acid sequence of the UCHL1 protein. It affects a nucleotide within the consensus splice site. This variant is present in population databases (rs375157748, gnomAD 0.04%). This variant has not been reported in the literature in individuals affected with UCHL1-related conditions. Variants that disrupt the consensus splice site are a relatively common cause of aberrant splicing (PMID: 17576681, 9536098). Algorithms developed to predict the effect of sequence changes on RNA splicing suggest that this variant may disrupt the consensus splice site. In summary, the available evidence is currently insufficient to determine the role of this variant in disease. Therefore, it has been classified as a Variant of Uncertain Significance.

Literature cited by the submitters: PubMed 17576681 (cited by Labcorp Genetics (formerly Invitae), Labcorp); PubMed 9536098 (cited by Labcorp Genetics (formerly Invitae), Labcorp).

NM_004181.5(UCHL1):c.33+4A>G

Gene: UCHL1 (ubiquitin C-terminal hydrolase L1; plus strand). Cytogenetic location: 4p13.
Variant type: single nucleotide variant.
Coding change: c.33+4A>G on transcript NM_004181.5 (MANE Select); 4 bases into the intron after coding-DNA position 33, A replaced by G.
Molecular consequence: intron variant.
Genome position (GRCh38, 1-based): chr4:41,257,013, A>G. VCF-style: chr4-41257013-A-G. GRCh37 (hg19) VCF-style: chr4-41259030-A-G.
Identifiers: ClinVar variation 3634574 (VCV003634574.3).